The following is an entry in ClinVar:

ClinVar aggregate classification (germline): Uncertain significance. Review status: criteria provided, multiple submitters, no conflicts (2 of 4 stars). 3 submissions from 3 submitters: Uncertain significance (3). Last evaluated 2026-03-24.

Conditions:
RYR1-related disorder. Also called: RYR1-related condition; RYR1-related disorders. Identifiers: MedGen CN239331.
Malignant hyperthermia, susceptibility to, 1 (MHS1). Also called: Anesthesia related hyperthermia; Malignant hyperpyrexia; Fulminating hyperpyrexia; Pharmacogenic myopathy; Malignant hyperthermia suceptibility 1; RYR1-Related Malignant Hyperthermia Susceptibility. Identifiers: Orphanet 423, MedGen C2930980, MONDO:0007783, OMIM 145600.

Allele frequency attached by ClinVar (database versions not stated): ExAC 0.00001; TOPMed 0.00002; gnomAD exomes 0.00001 and 0.00002; gnomAD 0.00003 and 0.00004.
gnomAD v4.1: 16 of 1,612,516 alleles (0.00099%); highest among the groups gnomAD compares: Admixed American, 0.005%; no homozygotes.

Submissions (3):

Dasa
Classification: Uncertain significance. Last evaluated: 2026-03-24. Review status: criteria provided, single submitter. Criteria: DASA Assertion Criteria. Collection method: clinical testing. Allele origin: germline.
Comment: NM_000540.3(RYR1):c.181C>G (p.Leu61Val) is a missense variant that results in the substitution of leucine with valine. This variant is rare in population databases. Computational prediction algorithms are consistent with a deleterious effect. The currently available literature and clinical evidence are not sufficient to establish a definitive association between this variant and the reported condition. Therefore, this variant is classified as a variant of uncertain significance.

Color Diagnostics, LLC DBA Color Health
Classification: Uncertain significance for Malignant hyperthermia, susceptibility to, 1. Last evaluated: 2025-07-18. Review status: criteria provided, single submitter. Criteria: ACMG Guidelines, 2015. Collection method: clinical testing. Allele origin: germline.
Comment: This missense variant replaces leucine with valine at codon 61 of the RYR1 protein. Computational prediction is inconclusive regarding the impact of this variant on protein structure and function. To our knowledge, functional studies have not been reported for this variant. This variant has not been reported in individuals affected with RYR1-related disorders in the literature. This variant has been identified in 2/251032 chromosomes in the general population by the Genome Aggregation Database (gnomAD). The available evidence is insufficient to determine the role of this variant in disease conclusively. Therefore, this variant is classified as a Variant of Uncertain Significance.

Labcorp Genetics (formerly Invitae), Labcorp
Classification: Uncertain significance for RYR1-related disorder. Last evaluated: 2024-11-03. Review status: criteria provided, single submitter. Criteria: Invitae Variant Classification Sherloc (09022015). Collection method: clinical testing. Allele origin: germline.
Comment: This sequence change replaces leucine, which is neutral and non-polar, with valine, which is neutral and non-polar, at codon 61 of the RYR1 protein (p.Leu61Val). This variant is present in population databases (rs769890047, gnomAD 0.003%). This variant has not been reported in the literature in individuals affected with RYR1-related conditions. ClinVar contains an entry for this variant (Variation ID: 1022068). Invitae Evidence Modeling of protein sequence and biophysical properties (such as structural, functional, and spatial information, amino acid conservation, physicochemical variation, residue mobility, and thermodynamic stability) has been performed for this missense variant. However, the output from this modeling did not meet the statistical confidence thresholds required to predict the impact of this variant on RYR1 protein function. In summary, the available evidence is currently insufficient to determine the role of this variant in disease. Therefore, it has been classified as a Variant of Uncertain Significance.

NM_000540.3(RYR1):c.181C>G (p.Leu61Val)

Gene: RYR1 (ryanodine receptor 1; plus strand). Cytogenetic location: 19q13.2.
Variant type: single nucleotide variant.
Coding change: c.181C>G on transcript NM_000540.3 (MANE Select); coding-DNA position 181, C replaced by G.
Protein change: p.Leu61Val; replaces leucine 61 with valine.
Molecular consequence: missense variant.
Genome position (GRCh38, 1-based): chr19:38,442,364, C>G. VCF-style: chr19-38442364-C-G. GRCh37 (hg19) VCF-style: chr19-38933004-C-G.
Other names: c.181C>G, p.Leu61Val (NM_001042723.2); short protein forms L61V.
Identifiers: ClinVar variation 1022068 (VCV001022068.10), dbSNP rs769890047, ClinGen allele CA062460.